The following is an entry in ClinVar:

NM_018429.3(BDP1):c.2352G>A (p.Lys784=)

Gene: BDP1 (BDP1 general transcription factor IIIB subunit; plus strand). Cytogenetic location: 5q13.2.
Variant type: single nucleotide variant.
Coding change: c.2352G>A on transcript NM_018429.3 (MANE Select); coding-DNA position 2352, G replaced by A.
Protein change: p.Lys784=; no amino-acid change (lysine 784 retained).
Molecular consequence: synonymous variant.
Genome position (GRCh38, 1-based): chr5:71,504,731, G>A. VCF-style: chr5-71504731-G-A. GRCh37 (hg19) VCF-style: chr5-70800558-G-A.
Identifiers: ClinVar variation 4981228 (VCV004981228.1).

ClinVar aggregate classification (germline): Likely benign (1 of 4 stars; one submission).

Conditions:
BDP1-related disorder. Also called: BDP1-related condition.

gnomAD v4.1: 10 of 1,613,300 alleles (0.00062%); highest among the groups gnomAD compares: Non-Finnish European, 0.00076%; no homozygotes.

Submission:

PreventionGenetics, part of Exact Sciences
Classification: Likely benign for BDP1-related condition. Last evaluated: 2026-09-15. Review status: criteria provided, single submitter. Criteria: ACMG Guidelines, 2015. Collection method: clinical testing. Allele origin: germline.
Comment: This variant is classified as likely benign based on ACMG/AMP sequence variant interpretation guidelines (Richards et al. 2015 PMID: 25741868, with internal and published modifications).